The following is an entry in ClinVar:

NM_032977.4(CASP10):c.930G>T (p.Leu310=)

Gene: CASP10 (caspase 10; plus strand). Cytogenetic location: 2q33.1.
Variant type: single nucleotide variant.
Coding change: c.930G>T on transcript NM_032977.4 (MANE Select); coding-DNA position 930, G replaced by T.
Protein change: p.Leu310=; no amino-acid change (leucine 310 retained).
Molecular consequence: synonymous variant. On other transcripts: 3 prime UTR variant (1).
Genome position (GRCh38, 1-based): chr2:201,209,077, G>T. VCF-style: chr2-201209077-G-T. GRCh37 (hg19) VCF-style: chr2-202073800-G-T.
Other names: c.729G>T, p.Leu243= (NM_001206524.2); c.801G>T, p.Leu267= (NM_001206542.2, NM_001230.5); c.930G>T, p.Leu310= (NM_032974.5); c.*16G>T (NM_032976.4).
Identifiers: ClinVar variation 727894 (VCV000727894.18), dbSNP rs149096064, ClinGen allele CA2053146.

ClinVar aggregate classification (germline): Benign/Likely benign. Review status: criteria provided, multiple submitters, no conflicts (2 of 4 stars). 3 submissions from 3 submitters: Benign (1); Likely benign (2). Last evaluated 2025-11-03.

Conditions:
Autoimmune lymphoproliferative syndrome type 2A (ALPS2A). Also called: CASP10-Related Autoimmune Lymphoproliferative Syndrome; AUTOIMMUNE LYMPHOPROLIFERATIVE SYNDROME, TYPE IIA; Autoimmune lymphoproliferative syndrome type 2. Identifiers: Orphanet 3261, MedGen C1858968, MONDO:0011383, OMIM 603909.

Allele frequency attached by ClinVar (database versions not stated): gnomAD exomes 0.00009 and 0.00030; ExAC 0.00011; gnomAD 0.00019 and 0.00020; ESP Exome Variant Server 0.00031.
gnomAD v4.1: 467 of 1,576,362 alleles (0.03%); highest among the groups gnomAD compares: Non-Finnish European, 0.037%; no homozygotes.

Submissions (3):

Labcorp Genetics (formerly Invitae), Labcorp
Classification: Likely benign for Autoimmune lymphoproliferative syndrome type 2A. Last evaluated: 2025-11-03. Review status: criteria provided, single submitter. Criteria: Invitae Variant Classification Sherloc (09022015). Collection method: clinical testing. Allele origin: germline.

Blueprint Genetics
Classification: Likely benign. Last evaluated: 2022-08-31. Review status: criteria provided, single submitter. Criteria: ACMG Guidelines, 2015. Collection method: clinical testing. Allele origin: germline.

Illumina Laboratory Services, Illumina
Classification: Benign for Autoimmune lymphoproliferative syndrome type 2A. Last evaluated: 2018-01-13. Review status: criteria provided, single submitter. Criteria: ICSL Variant Classification Criteria 13 December 2019. Collection method: clinical testing. Allele origin: germline.
Comment: This variant was observed in the ICSL laboratory as part of a predisposition screen in an ostensibly healthy population. It had not been previously curated by ICSL or reported in the Human Gene Mutation Database (HGMD: prior to June 1st, 2018), and was therefore a candidate for classification through an automated scoring system. Utilizing variant allele frequency, disease prevalence and penetrance estimates, and inheritance mode, an automated score was calculated to assess if this variant is too frequent to cause the disease. Based on the score and internal cut-off values, a variant classified as benign is not then subjected to further curation. The score for this variant resulted in a classification of benign for this disease.